The following is an entry in ClinVar:

NM_145893.3(RBFOX1):c.59C>T (p.Ala20Val)

Gene: RBFOX1 (RNA binding fox-1 homolog 1; plus strand). Cytogenetic location: 16p13.3.
Variant type: single nucleotide variant.
Coding change: c.59C>T on transcript NM_145893.3 (MANE Plus Clinical); coding-DNA position 59, C replaced by T.
Protein change: p.Ala20Val; replaces alanine 20 with valine.
Molecular consequence: missense variant. On other transcripts: intron variant (5).
Genome position (GRCh38, 1-based): chr16:7,333,060, C>T. VCF-style: chr16-7333060-C-T. GRCh37 (hg19) VCF-style: chr16-7383061-C-T.
Other names: c.59C>T, p.Ala20Val (NM_145891.3, NM_145892.3); c.28-185087C>T (NM_001364800.2, NM_018723.4, NM_001142333.2 and 1 more transcripts); c.157-185087C>T (NM_001308117.1); short protein forms A20V.
Identifiers: ClinVar variation 1403523 (VCV001403523.8), dbSNP rs201242998, ClinGen allele CA7891241.

ClinVar aggregate classification (germline): Uncertain significance (1 of 4 stars; one submission).

Conditions:
Idiopathic generalized epilepsy. Also called: Generalised epilepsy; EIG. Identifiers: MedGen C0270850, MONDO:0005579, OMIM 600669.

Allele frequency attached by ClinVar (database versions not stated): gnomAD exomes 0.00001 and 0.00003; ExAC 0.00002; ESP Exome Variant Server 0.00008; 1000 Genomes Project 0.00020; 1000 Genomes Project 30x 0.00031.
gnomAD v4.1: 10 of 1,613,918 alleles (0.00062%); highest among the groups gnomAD compares: Admixed American, 0.015%; no homozygotes.

Submission:

Labcorp Genetics (formerly Invitae), Labcorp
Classification: Uncertain significance for Idiopathic generalized epilepsy. Last evaluated: 2024-03-02. Review status: criteria provided, single submitter. Criteria: Invitae Variant Classification Sherloc (09022015). Collection method: clinical testing. Allele origin: germline.
Comment: This sequence change replaces alanine, which is neutral and non-polar, with valine, which is neutral and non-polar, at codon 20 of the RBFOX1 protein (p.Ala20Val). This variant is present in population databases (rs201242998, gnomAD 0.02%). This variant has not been reported in the literature in individuals affected with RBFOX1-related conditions. ClinVar contains an entry for this variant (Variation ID: 1403523). An algorithm developed to predict the effect of missense changes on protein structure and function (PolyPhen-2) suggests that this variant is likely to be disruptive. In summary, the available evidence is currently insufficient to determine the role of this variant in disease. Therefore, it has been classified as a Variant of Uncertain Significance.